The following is an entry in ClinVar:

ClinVar aggregate classification (germline): Uncertain significance (1 of 4 stars; one submission).

gnomAD v4.1: 4 of 1,613,456 alleles (0.00025%); highest among the groups gnomAD compares: African/African-American, 0.0027%; no homozygotes.

Submission:

Labcorp Genetics (formerly Invitae), Labcorp
Classification: Uncertain significance. Last evaluated: 2025-02-19. Review status: criteria provided, single submitter. Criteria: Invitae Variant Classification Sherloc (09022015). Collection method: clinical testing. Allele origin: germline.
Comment: This sequence change replaces isoleucine, which is neutral and non-polar, with valine, which is neutral and non-polar, at codon 1575 of the MYO7A protein (p.Ile1575Val). This variant is present in population databases (rs748715676, gnomAD 0.007%). This variant has not been reported in the literature in individuals affected with MYO7A-related conditions. Invitae Evidence Modeling of protein sequence and biophysical properties (such as structural, functional, and spatial information, amino acid conservation, physicochemical variation, residue mobility, and thermodynamic stability) indicates that this missense variant is not expected to disrupt MYO7A protein function with a negative predictive value of 95%. In summary, the available evidence is currently insufficient to determine the role of this variant in disease. Therefore, it has been classified as a Variant of Uncertain Significance.

NM_000260.4(MYO7A):c.4723A>G (p.Ile1575Val)

Gene: MYO7A (myosin VIIA; plus strand). Cytogenetic location: 11q13.5.
Variant type: single nucleotide variant.
Coding change: c.4723A>G on transcript NM_000260.4 (MANE Select); coding-DNA position 4723, A replaced by G.
Protein change: p.Ile1575Val; replaces isoleucine 1575 with valine.
Molecular consequence: missense variant.
Genome position (GRCh38, 1-based): chr11:77,199,689, A>G. VCF-style: chr11-77199689-A-G. GRCh37 (hg19) VCF-style: chr11-76910734-A-G.
Other names: c.4609A>G, p.Ile1537Val (NM_001127180.2); c.4576A>G, p.Ile1526Val (NM_001369365.1); short protein forms I1526V, I1537V, I1575V.
Identifiers: ClinVar variation 4750430 (VCV004750430.1).